The following is an entry in ClinVar:

NM_133433.4(NIPBL):c.2060A>C (p.Lys687Thr)

Gene: NIPBL (NIPBL cohesin loading factor; plus strand). Cytogenetic location: 5p13.2.
Variant type: single nucleotide variant.
Coding change: c.2060A>C on transcript NM_133433.4 (MANE Select); coding-DNA position 2060, A replaced by C.
Protein change: p.Lys687Thr; replaces lysine 687 with threonine.
Molecular consequence: missense variant.
Genome position (GRCh38, 1-based): chr5:36,985,240, A>C. VCF-style: chr5-36985240-A-C. GRCh37 (hg19) VCF-style: chr5-36985342-A-C.
Other names: c.2060A>C, p.Lys687Thr (NM_015384.5); short protein forms K687T.
Identifiers: ClinVar variation 3362199 (VCV003362199.1).
Genomic context (GRCh38, chr5:36,985,240, plus strand): 5'-CCATAGTTGAGCCTAAACAAAATGAAAATAGACTGTCTGACACAAAACCAAATGACAACA[A>C]ACAAAATAATGGCAGATCAGAAACAACAAAATCAAGGCCTGAAACCCCAAAGCAAAAGGG-3'
Protein context (NP_597677.2, residues 677-697): RLSDTKPNDN[Lys687Thr]QNNGRSETTK

ClinVar aggregate classification (germline): Uncertain significance (1 of 4 stars; one submission).

Submission:

GeneDx
Classification: Uncertain significance. Last evaluated: 2023-05-30. Review status: criteria provided, single submitter. Criteria: GeneDx Variant Classification Process June 2021. Collection method: clinical testing. Allele origin: germline. Affected: yes.
Comment: Not observed at significant frequency in large population cohorts (gnomAD); In silico analysis supports that this missense variant does not alter protein structure/function; Has not been previously published as pathogenic or benign to our knowledge